The following is an entry in ClinVar:

NM_005477.3(HCN4):c.83A>G (p.Glu28Gly)

Gene: HCN4 (hyperpolarization activated cyclic nucleotide gated potassium channel 4; minus strand). Cytogenetic location: 15q24.1.
Variant type: single nucleotide variant.
Coding change: c.83A>G on transcript NM_005477.3 (MANE Select); coding-DNA position 83, A replaced by G.
Protein change: p.Glu28Gly; replaces glutamic acid 28 with glycine.
Molecular consequence: missense variant.
Genome position (GRCh38, 1-based): chr15:73,368,188, T>C on the plus strand (A>G on the coding strand, the complement: HCN4 is on the minus strand). VCF-style: chr15-73368188-T-C. GRCh37 (hg19) VCF-style: chr15-73660529-T-C.
Other names: c.83A>G (NM_005477.2); short protein forms E28G.
Identifiers: ClinVar variation 2761357 (VCV002761357.4), dbSNP rs989762782, ClinGen allele CA272700578.

ClinVar aggregate classification (germline): Uncertain significance. Review status: criteria provided, multiple submitters, no conflicts (2 of 4 stars). 2 submissions from 2 submitters: Uncertain significance (2). Last evaluated 2024-12-12.

Conditions:
Cardiovascular phenotype. Identifiers: MedGen CN230736.
Brugada syndrome 8 (BRGDA8). Identifiers: Orphanet 130, MedGen C2751083, MONDO:0013148, OMIM 613123.

Allele frequency attached by ClinVar (database versions not stated): gnomAD 0.00001; TOPMed 0.00001.

Submissions (2):

Ambry Genetics
Classification: Uncertain significance for Cardiovascular phenotype. Last evaluated: 2024-12-12. Review status: criteria provided, single submitter. Criteria: Ambry Variant Classification Scheme 2023. Collection method: clinical testing. Allele origin: germline.
Comment: The p.E28G variant (also known as c.83A>G), located in coding exon 1 of the HCN4 gene, results from an A to G substitution at nucleotide position 83. The glutamic acid at codon 28 is replaced by glycine, an amino acid with similar properties. This amino acid position is well conserved in available vertebrate species. In addition, the in silico prediction for this alteration is inconclusive. Based on the available evidence, the clinical significance of this variant remains unclear.

Labcorp Genetics (formerly Invitae), Labcorp
Classification: Uncertain significance for Brugada syndrome 8. Last evaluated: 2024-07-31. Review status: criteria provided, single submitter. Criteria: Invitae Variant Classification Sherloc (09022015). Collection method: clinical testing. Allele origin: germline.
Comment: This sequence change replaces glutamic acid, which is acidic and polar, with glycine, which is neutral and non-polar, at codon 28 of the HCN4 protein (p.Glu28Gly). The frequency data for this variant in the population databases is considered unreliable, as metrics indicate poor data quality at this position in the gnomAD database. This variant has not been reported in the literature in individuals affected with HCN4-related conditions. Advanced modeling of protein sequence and biophysical properties (such as structural, functional, and spatial information, amino acid conservation, physicochemical variation, residue mobility, and thermodynamic stability) performed at Invitae indicates that this missense variant is not expected to disrupt HCN4 protein function with a negative predictive value of 95%. In summary, the available evidence is currently insufficient to determine the role of this variant in disease. Therefore, it has been classified as a Variant of Uncertain Significance.